The following is an entry in ClinVar:

NM_000051.4(ATM):c.5792C>T (p.Ala1931Val)

Genes: ATM (ATM serine/threonine kinase; plus strand), C11orf65 (chromosome 11 open reading frame 65; minus strand). Cytogenetic location: 11q22.3.
Variant type: single nucleotide variant.
Coding change: c.5792C>T on transcript NM_000051.4 (MANE Select); coding-DNA position 5792, C replaced by T.
Protein change: p.Ala1931Val; replaces alanine 1931 with valine.
Molecular consequence: missense variant. On other transcripts: intron variant (2).
Genome position (GRCh38, 1-based): chr11:108,310,189, C>T. VCF-style: chr11-108310189-C-T. GRCh37 (hg19) VCF-style: chr11-108180916-C-T.
Other names: c.5792C>T, p.Ala1931Val (NM_001351834.2); c.641-1118G>A (NM_001330368.2); c.*39-1118G>A (NM_001351110.2); short protein forms A1931V.
Identifiers: ClinVar variation 571209 (VCV000571209.15), dbSNP rs1243690083, ClinGen allele CA382548335.

ClinVar aggregate classification (germline): Uncertain significance. Review status: criteria provided, multiple submitters, no conflicts (2 of 4 stars). 3 submissions from 3 submitters: Uncertain significance (3). Last evaluated 2025-12-19.

Conditions:
Hereditary cancer-predisposing syndrome. Also called: Hereditary Cancer Syndrome; Neoplastic Syndromes, Hereditary; Tumor predisposition; Hereditary neoplastic syndrome. Identifiers: Orphanet 140162, MedGen C0027672, MeSH D009386, MONDO:0015356.
Ataxia-telangiectasia syndrome (AT). Also called: Cerebello-oculocutaneous telangiectasia; Immunodeficiency with ataxia telangiectasia; Ataxia-telangiectasia, complementation group E; Ataxia-telangiectasia, complementation group D; AT, COMPLEMENTATION GROUP C; ATAXIA-TELANGIECTASIA, COMPLEMENTATION GROUP A. Identifiers: Orphanet 100, MedGen C0004135, MONDO:0008840, OMIM 208900.

Allele frequency attached by ClinVar (database versions not stated): TOPMed 0.00001.

Submissions (3):

Labcorp Genetics (formerly Invitae), Labcorp
Classification: Uncertain significance for Ataxia-telangiectasia syndrome. Last evaluated: 2025-12-19. Review status: criteria provided, single submitter. Criteria: Invitae Variant Classification Sherloc (09022015). Collection method: clinical testing. Allele origin: germline.
Comment: This sequence change replaces alanine, which is neutral and non-polar, with valine, which is neutral and non-polar, at codon 1931 of the ATM protein (p.Ala1931Val). This variant is not present in population databases (gnomAD no frequency). This variant has not been reported in the literature in individuals affected with ATM-related conditions. ClinVar contains an entry for this variant (Variation ID: 571209). Invitae Evidence Modeling of protein sequence and biophysical properties (such as structural, functional, and spatial information, amino acid conservation, physicochemical variation, residue mobility, and thermodynamic stability) indicates that this missense variant is not expected to disrupt ATM protein function with a negative predictive value of 95%. In summary, the available evidence is currently insufficient to determine the role of this variant in disease. Therefore, it has been classified as a Variant of Uncertain Significance.

Ambry Genetics
Classification: Uncertain significance for Hereditary cancer-predisposing syndrome. Last evaluated: 2024-04-01. Review status: criteria provided, single submitter. Criteria: Ambry Variant Classification Scheme 2023. Collection method: clinical testing. Allele origin: germline.

GeneDx
Classification: Uncertain significance. Last evaluated: 2020-02-13. Review status: criteria provided, single submitter. Criteria: GeneDx Variant Classification Process June 2021. Collection method: clinical testing. Allele origin: germline. Affected: yes.
Comment: Not observed in large population cohorts (Lek et al., 2016); In silico analysis supports that this missense variant does not alter protein structure/function; Has not been previously published as pathogenic or benign to our knowledge